The following is an entry in ClinVar:

NM_000501.4(ELN):c.1859-2A>T

Gene: ELN (elastin; plus strand). Cytogenetic location: 7q11.23.
Variant type: single nucleotide variant.
Coding change: c.1859-2A>T on transcript NM_000501.4 (MANE Select); the canonical splice acceptor site of the intron before coding-DNA position 1859, A replaced by T.
Molecular consequence: splice acceptor variant.
Genome position (GRCh38, 1-based): chr7:74,063,308, A>T. VCF-style: chr7-74063308-A-T. GRCh37 (hg19) VCF-style: chr7-73477638-A-T.
Other names: c.1874-2A>T (NM_001081754.3); c.1817-2A>T (NM_001081753.3); c.2045-2A>T (NM_001278939.2); c.1877-2A>T (NM_001278915.2); c.1859-2A>T (NM_001278912.2); c.1802-2A>T (NM_001081755.3); c.1715-2A>T (NM_001278916.2); c.1616-2A>T (NM_001278913.2); and 4 more.
Identifiers: ClinVar variation 3042657 (VCV003042657.2), dbSNP rs2486525314, ClinGen allele CA367889633.

ClinVar aggregate classification (germline): Likely pathogenic (0 of 4 stars; one submission).

Conditions:
ELN-related disorder.

Submission:

PreventionGenetics, part of Exact Sciences
Classification: Likely pathogenic for ELN-related condition. Last evaluated: 2023-11-19. Review status: no assertion criteria provided. Collection method: clinical testing. Allele origin: germline.
Comment: The ELN c.1859-2A>T variant is predicted to disrupt the AG splice acceptor site and interfere with normal splicing. To our knowledge, this variant has not been reported in the literature or in a large population database, indicating this variant is rare. Variants that disrupt the consensus splice acceptor site in ELN are expected to be pathogenic. This variant is interpreted as likely pathogenic.